The following is an entry in ClinVar:

NC_000023.10:g.(?_32456348)_(32841534_?)dup

Gene: DMD (dystrophin; minus strand). Cytogenetic location: Xp21.1.
Variant type: Duplication.
Identifiers: ClinVar variation 1440119 (VCV001440119.6).

ClinVar aggregate classification (germline): Uncertain significance (1 of 4 stars; one submission).

Conditions:
Duchenne muscular dystrophy (DMD). Also called: Duchenne Muscular Dystrophy (DMD); MUSCULAR DYSTROPHY, PSEUDOHYPERTROPHIC PROGRESSIVE, DUCHENNE TYPE. Identifiers: Orphanet 98896, MedGen C0013264, MONDO:0010679, OMIM 310200.

Submission:

Labcorp Genetics (formerly Invitae), Labcorp
Classification: Uncertain significance for Duchenne muscular dystrophy. Last evaluated: 2022-01-17. Review status: criteria provided, single submitter. Criteria: Invitae Variant Classification Sherloc (09022015). Collection method: clinical testing. Allele origin: germline.
Comment: In summary, the available evidence is currently insufficient to determine the role of this variant in disease. Therefore, it has been classified as a Variant of Uncertain Significance. Experimental studies and prediction algorithms are not available or were not evaluated, and the functional significance of this variant is currently unknown. This variant has not been reported in the literature in individuals affected with DMD-related conditions. This sequence change is a complex rearrangement involving exons 5-29 of the DMD gene. Although the exact nature of the event is unknown, it likely involves a gain of these exons.